The following is an entry in ClinVar:

ClinVar aggregate classification (germline): Benign/Likely benign. Review status: criteria provided, multiple submitters, no conflicts (2 of 4 stars). 6 submissions from 6 submitters: Benign (2); Likely benign (3). 1 of the submissions does not count toward it. Last evaluated 2026-08-01.

Conditions:
CUX2-related disorder. Also called: CUX2-related condition.
Developmental and epileptic encephalopathy, 67. Also called: EPILEPTIC ENCEPHALOPATHY, EARLY INFANTILE, 67. Identifiers: MedGen C4748341, MONDO:0029138, OMIM 618141.

Allele frequency attached by ClinVar (database versions not stated): 1000 Genomes Project 30x 0.00031; 1000 Genomes Project 0.00040; gnomAD 0.00176 and 0.00184; TOPMed 0.00196; ExAC 0.00214; ESP Exome Variant Server 0.00227.
gnomAD v4.1: 4,817 of 1,612,796 alleles (0.3%); highest among the groups gnomAD compares: Non-Finnish European, 0.37%; 10 homozygotes.

Submissions (6):

CeGaT Center for Human Genetics Tuebingen
Classification: Likely benign. Last evaluated: 2026-08-01. Review status: criteria provided, single submitter. Criteria: CeGaT Center For Human Genetics Tuebingen Variant Classification Criteria Version 2. Collection method: clinical testing. Allele origin: germline. Affected: yes. Observed: 13 variant alleles.
Comment: CUX2: BS1

Blueprint Genetics
Classification: Likely benign. Last evaluated: 2024-11-18. Review status: criteria provided, single submitter. Criteria: ACMG Guidelines, 2015. Collection method: clinical testing. Allele origin: germline.

Fulgent Genetics
Classification: Likely benign for Developmental and epileptic encephalopathy, 67. Last evaluated: 2021-08-30. Review status: criteria provided, single submitter. Criteria: ACMG Guidelines, 2015. Collection method: clinical testing. Allele origin: unknown.

Labcorp Genetics (formerly Invitae), Labcorp
Classification: Benign. Last evaluated: 2019-12-31. Review status: criteria provided, single submitter. Criteria: Invitae Variant Classification Sherloc (09022015). Collection method: clinical testing. Allele origin: germline.

Breakthrough Genomics
Classification: Benign. Review status: criteria provided, single submitter. Criteria: ACMG Guidelines, 2015. Collection method: not provided. Allele origin: germline. Inheritance: Autosomal dominant inheritance. Affected: yes.

PreventionGenetics, part of Exact Sciences
Classification: Benign for CUX2-related condition. Last evaluated: 2024-05-14. Review status: no assertion criteria provided. Collection method: clinical testing. Allele origin: germline. Not counted in ClinVar's aggregate classification.
Comment: This variant is classified as benign based on ACMG/AMP sequence variant interpretation guidelines (Richards et al. 2015 PMID: 25741868, with internal and published modifications).

NM_015267.4(CUX2):c.1029G>A (p.Thr343=)

Gene: CUX2 (cut like homeobox 2; plus strand). Cytogenetic location: 12q24.12.
Variant type: single nucleotide variant.
Coding change: c.1029G>A on transcript NM_015267.4 (MANE Select); coding-DNA position 1029, G replaced by A.
Protein change: p.Thr343=; no amino-acid change (threonine 343 retained).
Molecular consequence: synonymous variant.
Genome position (GRCh38, 1-based): chr12:111,307,091, G>A. VCF-style: chr12-111307091-G-A. GRCh37 (hg19) VCF-style: chr12-111744895-G-A.
Other names: c.843G>A, p.Thr281= (NM_001370598.1).
Identifiers: ClinVar variation 783039 (VCV000783039.38), dbSNP rs199929446, ClinGen allele CA6788544.